The following is an entry in ClinVar:

ClinVar aggregate classification (germline): Uncertain significance. Review status: criteria provided, multiple submitters, no conflicts (2 of 4 stars). 2 submissions from 2 submitters: Uncertain significance (2). Last evaluated 2025-09-22.

Conditions:
Inborn genetic diseases. Identifiers: MedGen C0950123, MeSH D030342.

Submissions (2):

Ambry Genetics
Classification: Uncertain significance for Inborn genetic diseases. Last evaluated: 2025-09-22. Review status: criteria provided, single submitter. Criteria: Ambry Variant Classification Scheme 2023. Collection method: clinical testing. Allele origin: germline.
Comment: The p.G233E variant (also known as c.698G>A), located in coding exon 3 of the MBD4 gene, results from a G to A substitution at nucleotide position 698. The glycine at codon 233 is replaced by glutamic acid, an amino acid with similar properties. This amino acid position is conserved. In addition, this alteration is predicted to be tolerated by in silico analysis. Based on the available evidence, the clinical significance of this variant remains unclear.

Labcorp Genetics (formerly Invitae), Labcorp
Classification: Uncertain significance. Last evaluated: 2024-06-11. Review status: criteria provided, single submitter. Criteria: Invitae Variant Classification Sherloc (09022015). Collection method: clinical testing. Allele origin: germline.
Comment: This sequence change replaces glycine, which is neutral and non-polar, with glutamic acid, which is acidic and polar, at codon 233 of the MBD4 protein (p.Gly233Glu). This variant is not present in population databases (gnomAD no frequency). This variant has not been reported in the literature in individuals affected with MBD4-related conditions. Algorithms developed to predict the effect of missense changes on protein structure and function output the following: SIFT: "Not Available"; PolyPhen-2: "Benign"; Align-GVGD: "Not Available". The glutamic acid amino acid residue is found in multiple mammalian species, which suggests that this missense change does not adversely affect protein function. In summary, the available evidence is currently insufficient to determine the role of this variant in disease. Therefore, it has been classified as a Variant of Uncertain Significance.

NM_001276270.2(MBD4):c.698G>A (p.Gly233Glu)

Gene: MBD4 (methyl-CpG binding domain 4, DNA glycosylase; minus strand). Cytogenetic location: 3q21.3.
Variant type: single nucleotide variant.
Coding change: c.698G>A on transcript NM_001276270.2 (MANE Select); coding-DNA position 698, G replaced by A.
Protein change: p.Gly233Glu; replaces glycine 233 with glutamic acid.
Molecular consequence: missense variant. On other transcripts: intron variant (1).
Genome position (GRCh38, 1-based): chr3:129,436,946, C>T on the plus strand (G>A on the coding strand, the complement: MBD4 is on the minus strand). VCF-style: chr3-129436946-C-T. GRCh37 (hg19) VCF-style: chr3-129155789-C-T.
Other names: c.698G>A, p.Gly233Glu (NM_001276271.2, NM_001276272.2, NM_003925.3); c.247+862G>A (NM_001276273.2); short protein forms G233E.
Identifiers: ClinVar variation 3656220 (VCV003656220.3).